The following is an entry in ClinVar:

ClinVar aggregate classification (germline): Uncertain significance. Review status: criteria provided, multiple submitters, no conflicts (2 of 4 stars). 3 submissions from 3 submitters: Uncertain significance (3). Last evaluated 2022-07-30.

Conditions:
Beta-D-mannosidosis (MANSB). Also called: Beta-Mannosidosis; MANNOSIDOSIS, BETA A, LYSOSOMAL; BETA-MANNOSIDASE DEFICIENCY; LYSOSOMAL BETA-MANNOSIDASE DEFICIENCY. Identifiers: Orphanet 118, MedGen C4048196, MONDO:0009562, OMIM 248510.

Allele frequency attached by ClinVar (database versions not stated): ExAC 0.00002; gnomAD 0.00007; TOPMed 0.00009; ESP Exome Variant Server 0.00015; gnomAD exomes 0.00002 and 0.00001.

Submissions (3):

Labcorp Genetics (formerly Invitae), Labcorp
Classification: Uncertain significance for Beta-D-mannosidosis. Last evaluated: 2022-07-30. Review status: criteria provided, single submitter. Criteria: Invitae Variant Classification Sherloc (09022015). Collection method: clinical testing. Allele origin: germline.
Comment: This sequence change replaces serine, which is neutral and polar, with glycine, which is neutral and non-polar, at codon 525 of the MANBA protein (p.Ser525Gly). This variant is present in population databases (rs138216864, gnomAD 0.04%). This variant has not been reported in the literature in individuals affected with MANBA-related conditions. ClinVar contains an entry for this variant (Variation ID: 284193). Algorithms developed to predict the effect of missense changes on protein structure and function are either unavailable or do not agree on the potential impact of this missense change (SIFT: "Tolerated"; PolyPhen-2: "Possibly Damaging"; Align-GVGD: "Class C0"). In summary, the available evidence is currently insufficient to determine the role of this variant in disease. Therefore, it has been classified as a Variant of Uncertain Significance.

Eurofins Ntd Llc (ga)
Classification: Uncertain significance. Last evaluated: 2015-11-06. Review status: criteria provided, single submitter. Criteria: EGL Classification Definitions 2015. Collection method: clinical testing. Allele origin: germline. Observed: 1 variant allele, 1 heterozygote.

Breakthrough Genomics
Classification: Uncertain significance. Review status: criteria provided, single submitter. Criteria: ACMG Guidelines, 2015. Collection method: not provided. Allele origin: germline. Inheritance: Autosomal recessive inheritance. Affected: yes.

NM_005908.4(MANBA):c.1573A>G (p.Ser525Gly)

Gene: MANBA (mannosidase beta; minus strand). Cytogenetic location: 4q24.
Variant type: single nucleotide variant.
Coding change: c.1573A>G on transcript NM_005908.4 (MANE Select); coding-DNA position 1573, A replaced by G.
Protein change: p.Ser525Gly; replaces serine 525 with glycine.
Molecular consequence: missense variant.
Genome position (GRCh38, 1-based): chr4:102,657,813, T>C on the plus strand (A>G on the coding strand, the complement: MANBA is on the minus strand). VCF-style: chr4-102657813-T-C. GRCh37 (hg19) VCF-style: chr4-103578970-T-C.
Other names: short protein forms S525G.
Identifiers: ClinVar variation 284193 (VCV000284193.7), dbSNP rs138216864, ClinGen allele CA3026858.